The following is an entry in ClinVar:

NM_018263.6(ASXL2):c.3932T>G (p.Leu1311Arg)

Gene: ASXL2 (ASXL transcriptional regulator 2; minus strand). Cytogenetic location: 2p23.3.
Variant type: single nucleotide variant.
Coding change: c.3932T>G on transcript NM_018263.6 (MANE Select); coding-DNA position 3932, T replaced by G.
Protein change: p.Leu1311Arg; replaces leucine 1311 with arginine.
Molecular consequence: missense variant.
Genome position (GRCh38, 1-based): chr2:25,742,405, A>C on the plus strand (T>G on the coding strand, the complement: ASXL2 is on the minus strand). VCF-style: chr2-25742405-A-C. GRCh37 (hg19) VCF-style: chr2-25965274-A-C.
Other names: c.3758T>G, p.Leu1253Arg (NM_001369346.1); c.3152T>G, p.Leu1051Arg (NM_001369347.1); short protein forms L1311R, L1051R, L1253R.
Identifiers: ClinVar variation 1032033 (VCV001032033.1), dbSNP rs377592465, ClinGen allele CA1557396.

ClinVar aggregate classification (germline): Uncertain significance (1 of 4 stars; one submission).

Conditions:
Shashi-Pena syndrome (SHAPNS). Identifiers: Orphanet 689408, MedGen C4310672, MONDO:0014963, OMIM 617190.

Allele frequency attached by ClinVar (database versions not stated): gnomAD exomes below 0.00001; ExAC 0.00001; TOPMed 0.00003; gnomAD 0.00007; ESP Exome Variant Server 0.00008.
gnomAD v4.1: 5 of 677,134 alleles (0.00074%); highest among the groups gnomAD compares: African/African-American, 0.019%; no homozygotes.

Submission:

Baylor Genetics
Classification: Uncertain significance for Shashi-Pena syndrome. Last evaluated: 2018-05-01. Review status: criteria provided, single submitter. Criteria: ACMG Guidelines, 2015. Collection method: clinical testing. Allele origin: maternal. Affected: yes.
Comment: This variant was determined to be of uncertain significance according to ACMG Guidelines, 2015 [PMID:25741868].